The following is an entry in ClinVar:

NM_001849.4(COL6A2):c.257A>C (p.Tyr86Ser)

Gene: COL6A2 (collagen type VI alpha 2 chain; plus strand). Cytogenetic location: 21q22.3.
Variant type: single nucleotide variant.
Coding change: c.257A>C on transcript NM_001849.4 (MANE Select); coding-DNA position 257, A replaced by C.
Protein change: p.Tyr86Ser; replaces tyrosine 86 with serine.
Molecular consequence: missense variant.
Genome position (GRCh38, 1-based): chr21:46,112,120, A>C. VCF-style: chr21-46112120-A-C. GRCh37 (hg19) VCF-style: chr21-47532034-A-C.
Other names: c.257A>C, p.Tyr86Ser (NM_058174.3, NM_058175.3); short protein forms Y86S.
Identifiers: ClinVar variation 3715515 (VCV003715515.3).
Genomic context (GRCh38, chr21:46,112,120, plus strand): 5'-TGCTCTTCCACATGAAGCAGTTCGTGCCGCAGTTCATCAGCCAGCTGCAGAACGAGTTCT[A>C]CCTGGACCAGGTGGCGCTGAGCTGGCGCTACGGCGGCCTGCACTTCTCTGACCAGGTGGA-3'
Protein context (NP_001840.3, residues 76-96): QFISQLQNEF[Tyr86Ser]LDQVALSWRY

ClinVar aggregate classification (germline): Uncertain significance. Review status: criteria provided, multiple submitters, no conflicts (2 of 4 stars). 2 submissions from 2 submitters: Uncertain significance (2). Last evaluated 2024-02-01.

Conditions:
Bethlem myopathy 1A. Also called: MYOPATHY, BENIGN CONGENITAL, WITH CONTRACTURES; Bethlem myopathy 1; Bethlem Muscular Dystrophy. Identifiers: Orphanet 610, MedGen CN029274, MONDO:0024530, OMIM 158810.

gnomAD v4.1: 6 of 1,613,068 alleles (0.00037%); highest among the groups gnomAD compares: Non-Finnish European, 0.00017%; no homozygotes.

Submissions (2):

Labcorp Genetics (formerly Invitae), Labcorp
Classification: Uncertain significance for Bethlem myopathy 1A. Last evaluated: 2024-02-01. Review status: criteria provided, single submitter. Criteria: Invitae Variant Classification Sherloc (09022015). Collection method: clinical testing. Allele origin: germline.
Comment: This sequence change replaces tyrosine, which is neutral and polar, with serine, which is neutral and polar, at codon 86 of the COL6A2 protein (p.Tyr86Ser). This variant is present in population databases (rs778821266, gnomAD 0.02%). This variant has not been reported in the literature in individuals affected with COL6A2-related conditions. Advanced modeling of protein sequence and biophysical properties (such as structural, functional, and spatial information, amino acid conservation, physicochemical variation, residue mobility, and thermodynamic stability) performed at Invitae indicates that this missense variant is not expected to disrupt COL6A2 protein function with a negative predictive value of 80%. In summary, the available evidence is currently insufficient to determine the role of this variant in disease. Therefore, it has been classified as a Variant of Uncertain Significance.

Revvity Omics, Revvity
Classification: Uncertain significance. Last evaluated: 2024-01-17. Review status: criteria provided, single submitter. Criteria: ACMG Guidelines, 2015. Collection method: clinical testing. Allele origin: germline.